The following is an entry in ClinVar:

NM_004036.5(ADCY3):c.536T>C (p.Phe179Ser)

Gene: ADCY3 (adenylate cyclase 3; minus strand). Cytogenetic location: 2p23.3.
Variant type: single nucleotide variant.
Coding change: c.536T>C on transcript NM_004036.5 (MANE Select); coding-DNA position 536, T replaced by C.
Protein change: p.Phe179Ser; replaces phenylalanine 179 with serine.
Molecular consequence: missense variant.
Genome position (GRCh38, 1-based): chr2:24,918,452, A>G on the plus strand (T>C on the coding strand, the complement: ADCY3 is on the minus strand). VCF-style: chr2-24918452-A-G. GRCh37 (hg19) VCF-style: chr2-25141321-A-G.
Other names: c.536T>C (NM_004036.4, NM_004036.3, NM_001320613.1); c.536T>C, p.Phe179Ser (NM_001320613.2, NM_001377128.1, NM_001377129.1 and 2 more transcripts); short protein forms F179S.
Identifiers: ClinVar variation 1981862 (VCV001981862.11), dbSNP rs61729878, ClinGen allele CA1554486.

ClinVar aggregate classification (germline): Uncertain significance. Review status: criteria provided, multiple submitters, no conflicts (2 of 4 stars). 4 submissions from 4 submitters: Uncertain significance (4). Last evaluated 2026-05-20.

Conditions:
Inborn genetic diseases. Identifiers: MedGen C0950123, MeSH D030342.
ADCY3-related disorder. Also called: ADCY3-related condition.

Allele frequency attached by ClinVar (database versions not stated): gnomAD exomes 0.00004; gnomAD 0.00005; TOPMed 0.00005; ExAC 0.00006; ESP Exome Variant Server 0.00008.

Submissions (4):

PreventionGenetics, part of Exact Sciences
Classification: Uncertain significance for ADCY3-related condition. Last evaluated: 2026-05-20. Review status: criteria provided, single submitter. Criteria: ACMG Guidelines, 2015. Collection method: clinical testing. Allele origin: germline.
Comment: The ADCY3 c.536T>C variant is predicted to result in the amino acid substitution p.Phe179Ser. To our knowledge, this variant has not been reported in the literature. This variant is reported in 0.12% of alleles in individuals of Ashkenazi Jewish descent in gnomAD. Although we suspect that this variant may be benign, at this time, the clinical significance of this variant is uncertain due to the absence of conclusive functional and genetic evidence.

GeneDx
Classification: Uncertain significance. Last evaluated: 2026-04-30. Review status: criteria provided, single submitter. Criteria: GeneDx Variant Classification Process June 2021. Collection method: clinical testing. Allele origin: germline.
Comment: In silico analysis suggests that this missense variant does not alter protein structure/function; Has not been previously published as pathogenic or benign to our knowledge

Ambry Genetics
Classification: Uncertain significance for Inborn genetic diseases. Last evaluated: 2025-10-21. Review status: criteria provided, single submitter. Criteria: Ambry Variant Classification Scheme 2023. Collection method: clinical testing. Allele origin: germline.

Labcorp Genetics (formerly Invitae), Labcorp
Classification: Uncertain significance. Last evaluated: 2022-03-25. Review status: criteria provided, single submitter. Criteria: Invitae Variant Classification Sherloc (09022015). Collection method: clinical testing. Allele origin: germline.
Comment: In summary, the available evidence is currently insufficient to determine the role of this variant in disease. Therefore, it has been classified as a Variant of Uncertain Significance. Algorithms developed to predict the effect of missense changes on protein structure and function are either unavailable or do not agree on the potential impact of this missense change (SIFT: "Not Available"; PolyPhen-2: "Benign"; Align-GVGD: "Not Available"). This variant has not been reported in the literature in individuals affected with ADCY3-related conditions. This variant is present in population databases (rs61729878, gnomAD 0.1%). This sequence change replaces phenylalanine, which is neutral and non-polar, with serine, which is neutral and polar, at codon 179 of the ADCY3 protein (p.Phe179Ser).